The following is an entry in ClinVar:

NM_015910.7(WDPCP):c.1436-4A>G

Gene: WDPCP (WD repeat containing planar cell polarity effector; minus strand). Cytogenetic location: 2p15.
Variant type: single nucleotide variant.
Coding change: c.1436-4A>G on transcript NM_015910.7 (MANE Select); 4 bases into the intron before coding-DNA position 1436, A replaced by G.
Molecular consequence: intron variant.
Genome position (GRCh38, 1-based): chr2:63,382,098, T>C on the plus strand (A>G on the coding strand, the complement: WDPCP is on the minus strand). VCF-style: chr2-63382098-T-C. GRCh37 (hg19) VCF-style: chr2-63609233-T-C.
Other names: c.1364-4A>G (NM_001354044.2); c.959-4A>G (NM_001042692.3); c.1436-4A>G (NM_001354045.2).
Identifiers: ClinVar variation 844173 (VCV000844173.11), dbSNP rs773663574, ClinGen allele CA1682207.

ClinVar aggregate classification (germline): Conflicting classifications of pathogenicity. Review status: criteria provided, conflicting classifications (1 of 4 stars). 3 submissions from 3 submitters: Uncertain significance (2); Likely benign (1). Last evaluated 2024-05-22.

Conditions:
Heart defect - tongue hamartoma - polysyndactyly syndrome. Also called: Congenital heart defects, hamartomas of tongue, and polysyndactyly. Identifiers: Orphanet 1338, MedGen C1857587, MONDO:0009008, OMIM 217085.
Bardet-Biedl syndrome 15 (BBS15). Identifiers: Orphanet 110, MedGen C3150127, MONDO:0014443, OMIM 615992.
Bardet-Biedl syndrome (BBS). Identifiers: Orphanet 110, MedGen C0752166, MONDO:0015229.

Allele frequency attached by ClinVar (database versions not stated): ExAC 0.00002; gnomAD 0.00002 and 0.00003; gnomAD exomes 0.00002; TOPMed 0.00003.
gnomAD v4.1: 55 of 1,611,628 alleles (0.0034%); highest among the groups gnomAD compares: Non-Finnish European, 0.0044%; no homozygotes.

Submissions (3):

Fulgent Genetics
Classification: Uncertain significance for Heart defect - tongue hamartoma - polysyndactyly syndrome; Bardet-Biedl syndrome 15. Last evaluated: 2024-05-22. Review status: criteria provided, single submitter. Criteria: ACMG Guidelines, 2015. Collection method: clinical testing. Allele origin: germline.

Blueprint Genetics
Classification: Likely benign. Last evaluated: 2024-04-04. Review status: criteria provided, single submitter. Criteria: ACMG Guidelines, 2015. Collection method: clinical testing. Allele origin: germline.

Labcorp Genetics (formerly Invitae), Labcorp
Classification: Uncertain significance for Bardet-Biedl syndrome. Last evaluated: 2022-11-15. Review status: criteria provided, single submitter. Criteria: Invitae Variant Classification Sherloc (09022015). Collection method: clinical testing. Allele origin: germline.
Comment: This sequence change falls in intron 10 of the WDPCP gene. It does not directly change the encoded amino acid sequence of the WDPCP protein. In summary, the available evidence is currently insufficient to determine the role of this variant in disease. Therefore, it has been classified as a Variant of Uncertain Significance. Algorithms developed to predict the effect of sequence changes on RNA splicing suggest that this variant may create or strengthen a splice site. ClinVar contains an entry for this variant (Variation ID: 844173). This variant has not been reported in the literature in individuals affected with WDPCP-related conditions. The frequency data for this variant in the population databases is considered unreliable, as metrics indicate poor data quality at this position in the gnomAD database.